The following is an entry in ClinVar:

NM_020937.4(FANCM):c.1784A>C (p.Glu595Ala)

Gene: FANCM (FA complementation group M; plus strand). Cytogenetic location: 14q21.2.
Variant type: single nucleotide variant.
Coding change: c.1784A>C on transcript NM_020937.4 (MANE Select); coding-DNA position 1784, A replaced by C.
Protein change: p.Glu595Ala; replaces glutamic acid 595 with alanine.
Molecular consequence: missense variant.
Genome position (GRCh38, 1-based): chr14:45,164,561, A>C. VCF-style: chr14-45164561-A-C. GRCh37 (hg19) VCF-style: chr14-45633764-A-C.
Other names: c.1706A>C, p.Glu569Ala (NM_001308133.2); c.1784A>C, p.Glu595Ala (NM_001308134.2); short protein forms E569A, E595A.
Identifiers: ClinVar variation 4871159 (VCV004871159.1).
Genomic context (GRCh38, chr14:45,164,561, plus strand): 5'-GTAGAACTGGCCGTAAACGTCAAGGCAGGATAGTTATTATCCTTTCTGAAGGACGAGAGG[A>C]ACGTGTAAGTAGAGCTGCAGAAACACAATTTGACACTTGAAATTTGAGAAATACAGCCCA-3'
Protein context (NP_065988.1, residues 585-605): IVIILSEGRE[Glu595Ala]RIYNQSQSNK

ClinVar aggregate classification (germline): Uncertain significance (1 of 4 stars; one submission).

Conditions:
Inborn genetic diseases. Identifiers: MedGen C0950123, MeSH D030342.

Submission:

Ambry Genetics
Classification: Uncertain significance for Inborn genetic diseases. Last evaluated: 2026-05-22. Review status: criteria provided, single submitter. Criteria: Ambry Variant Classification Scheme 2023. Collection method: clinical testing. Allele origin: germline.
Comment: The p.E595A variant (also known as c.1784A>C), located in coding exon 10 of the FANCM gene, results from an A to C substitution at nucleotide position 1784. The glutamic acid at codon 595 is replaced by alanine, an amino acid with dissimilar properties. This amino acid position is conserved. In addition, the in silico prediction for this alteration is inconclusive. Based on the available evidence, the clinical significance of this variant remains unclear.